The following is an entry in ClinVar:

ClinVar aggregate classification (germline): Uncertain significance. Review status: criteria provided, multiple submitters, no conflicts (2 of 4 stars). 2 submissions from 2 submitters: Uncertain significance (2). Last evaluated 2022-07-25.

Conditions:
Stickler syndrome, type 4 (STL4). Identifiers: Orphanet 250984, Orphanet 828, MedGen C3279941, MONDO:0013590, OMIM 614134.

Submissions (2):

Labcorp Genetics (formerly Invitae), Labcorp
Classification: Uncertain significance. Last evaluated: 2022-07-25. Review status: criteria provided, single submitter. Criteria: Invitae Variant Classification Sherloc (09022015). Collection method: clinical testing. Allele origin: germline.
Comment: This sequence change replaces valine, which is neutral and non-polar, with alanine, which is neutral and non-polar, at codon 725 of the COL9A1 protein (p.Val725Ala). This variant is not present in population databases (gnomAD no frequency). This variant has not been reported in the literature in individuals affected with COL9A1-related conditions. ClinVar contains an entry for this variant (Variation ID: 931840). Advanced modeling of protein sequence and biophysical properties (such as structural, functional, and spatial information, amino acid conservation, physicochemical variation, residue mobility, and thermodynamic stability) performed at Invitae indicates that this missense variant is not expected to disrupt COL9A1 protein function. In summary, the available evidence is currently insufficient to determine the role of this variant in disease. Therefore, it has been classified as a Variant of Uncertain Significance.

Centre for Mendelian Genomics, University Medical Centre Ljubljana
Classification: Uncertain significance for Stickler syndrome, type 4. Last evaluated: 2019-02-14. Review status: criteria provided, single submitter. Criteria: ACMG Guidelines, 2015. Collection method: clinical testing. Allele origin: unknown. Affected: yes.
Comment: This variant was classified as: Uncertain significance. The available evidence on this variant's pathogenicity is insufficient or conflicting. The following ACMG criteria were applied in classifying this variant: PM2,BP4.

NM_001851.6(COL9A1):c.2174T>C (p.Val725Ala)

Gene: COL9A1 (collagen type IX alpha 1 chain; minus strand). Cytogenetic location: 6q13.
Variant type: single nucleotide variant.
Coding change: c.2174T>C on transcript NM_001851.6 (MANE Select); coding-DNA position 2174, T replaced by C.
Protein change: p.Val725Ala; replaces valine 725 with alanine.
Molecular consequence: missense variant. On other transcripts: non-coding transcript variant (1), intron variant (1).
Genome position (GRCh38, 1-based): chr6:70,234,879, A>G on the plus strand (T>C on the coding strand, the complement: COL9A1 is on the minus strand). VCF-style: chr6-70234879-A-G. GRCh37 (hg19) VCF-style: chr6-70944582-A-G.
Other names: c.1475T>C, p.Val492Ala (NM_001377289.1); c.1445T>C, p.Val482Ala (NM_078485.4); c.1384-286T>C (NM_001377290.1); short protein forms V482A, V725A, V492A.
Identifiers: ClinVar variation 931840 (VCV000931840.6), dbSNP rs1428416801, ClinGen allele CA364673362.